The following is an entry in ClinVar:

NM_198253.3(TERT):c.959C>T (p.Pro320Leu)

Gene: TERT (telomerase reverse transcriptase; minus strand). Cytogenetic location: 5p15.33.
Variant type: single nucleotide variant.
Coding change: c.959C>T on transcript NM_198253.3 (MANE Select); coding-DNA position 959, C replaced by T.
Protein change: p.Pro320Leu; replaces proline 320 with leucine.
Molecular consequence: missense variant. On other transcripts: non-coding transcript variant (2).
Genome position (GRCh38, 1-based): chr5:1,293,927, G>A on the plus strand (C>T on the coding strand, the complement: TERT is on the minus strand). VCF-style: chr5-1293927-G-A. GRCh37 (hg19) VCF-style: chr5-1294042-G-A.
Other names: c.959C>T, p.Pro320Leu (NM_001193376.3); short protein forms P320L.
Identifiers: ClinVar variation 864434 (VCV000864434.9), dbSNP rs1751178484, ClinGen allele CA359056073.

ClinVar aggregate classification (germline): Uncertain significance. Review status: criteria provided, multiple submitters, no conflicts (2 of 4 stars). 3 submissions from 3 submitters: Uncertain significance (3). Last evaluated 2024-12-25.

Conditions:
Idiopathic Pulmonary Fibrosis. Also called: Idiopathic fibrosing alveolitis, chronic form; idiopathic fibrosing alveolitis. Identifiers: Orphanet 2032, MedGen C1800706, MeSH D054990, MONDO:0800504.
Dyskeratosis congenita, autosomal dominant 2. Identifiers: MedGen C3151443, MONDO:0013521, OMIM 613989.
Dyskeratosis congenita. Identifiers: Orphanet 1775, MedGen C0265965, MONDO:0015780.

Allele frequency attached by ClinVar (database versions not stated): gnomAD exomes below 0.00001.
gnomAD v4.1: 2 of 1,543,332 alleles (0.00013%); highest among the groups gnomAD compares: Non-Finnish European, 0.000087%; no homozygotes.

Submissions (3):

Ambry Genetics
Classification: Uncertain significance for Dyskeratosis congenita. Last evaluated: 2024-12-25. Review status: criteria provided, single submitter. Criteria: Ambry Variant Classification Scheme 2023. Collection method: clinical testing. Allele origin: germline.
Comment: The p.P320L variant (also known as c.959C>T), located in coding exon 2 of the TERT gene, results from a C to T substitution at nucleotide position 959. The proline at codon 320 is replaced by leucine, an amino acid with similar properties. This amino acid position is conserved. In addition, this alteration is predicted to be tolerated by in silico analysis. Based on the available evidence, the clinical significance of this variant remains unclear.

Labcorp Genetics (formerly Invitae), Labcorp
Classification: Uncertain significance for Dyskeratosis congenita, autosomal dominant 2; Idiopathic Pulmonary Fibrosis. Last evaluated: 2022-05-31. Review status: criteria provided, single submitter. Criteria: Invitae Variant Classification Sherloc (09022015). Collection method: clinical testing. Allele origin: germline.
Comment: This sequence change replaces proline, which is neutral and non-polar, with leucine, which is neutral and non-polar, at codon 320 of the TERT protein (p.Pro320Leu). This variant is not present in population databases (gnomAD no frequency). This variant has not been reported in the literature in individuals affected with TERT-related conditions. ClinVar contains an entry for this variant (Variation ID: 864434). Advanced modeling of protein sequence and biophysical properties (such as structural, functional, and spatial information, amino acid conservation, physicochemical variation, residue mobility, and thermodynamic stability) performed at Invitae indicates that this missense variant is not expected to disrupt TERT protein function. In summary, the available evidence is currently insufficient to determine the role of this variant in disease. Therefore, it has been classified as a Variant of Uncertain Significance.

Mendelics
Classification: Uncertain significance. Last evaluated: 2022-05-04. Review status: criteria provided, single submitter. Criteria: Mendelics Assertion Criteria 2019. Collection method: clinical testing. Allele origin: germline.